The following is an entry in ClinVar:

ClinVar aggregate classification (germline): Pathogenic (1 of 4 stars; one submission).

Submission:

Labcorp Genetics (formerly Invitae), Labcorp
Classification: Pathogenic. Last evaluated: 2022-03-09. Review status: criteria provided, single submitter. Criteria: Invitae Variant Classification Sherloc (09022015). Collection method: clinical testing. Allele origin: germline.
Comment: For these reasons, this variant has been classified as Pathogenic. This variant disrupts a region of the TCIRG1 protein in which other variant(s) (p.Ile721del) have been determined to be pathogenic (PMID: 15300850, 20424301). This suggests that this is a clinically significant region of the protein, and that variants that disrupt it are likely to be disease-causing. This variant has not been reported in the literature in individuals affected with TCIRG1-related conditions. This variant is a gross deletion of the genomic region encompassing exon(s) 14-20 of the TCIRG1 gene, which includes the termination codon. This deletion extends beyond the assayed region for this gene and therefore may encompass additional genes. While this deletion is not anticipated to lead to nonsense mediated decay, it is expected to alter mRNA translation or result in a truncated protein product.

Literature cited by the submitters: PubMed 15300850; PubMed 20424301.

NC_000011.9:g.(?_67816336)_(67818296_?)del

Gene: TCIRG1 (T cell immune regulator 1, ATPase H+ transporting V0 subunit a3; plus strand). Cytogenetic location: 11q13.2.
Variant type: Deletion.
Identifiers: ClinVar variation 2425464 (VCV002425464.4).